The following is an entry in ClinVar:

ClinVar aggregate classification (germline): Uncertain significance (1 of 4 stars; one submission).

Conditions:
Diffuse cerebral and cerebellar atrophy - intractable seizures - progressive microcephaly syndrome. Also called: Microcephaly, progressive, with seizures and cerebral and cerebellar atrophy. Identifiers: Orphanet 404437, MedGen C4014239, MONDO:0014335, OMIM 615760.

Allele frequency attached by ClinVar (database versions not stated): TOPMed below 0.00001.

Submission:

Labcorp Genetics (formerly Invitae), Labcorp
Classification: Uncertain significance for Diffuse cerebral and cerebellar atrophy - intractable seizures - progressive microcephaly syndrome. Last evaluated: 2023-06-16. Review status: criteria provided, single submitter. Criteria: Invitae Variant Classification Sherloc (09022015). Collection method: clinical testing. Allele origin: germline.
Comment: In summary, the available evidence is currently insufficient to determine the role of this variant in disease. Therefore, it has been classified as a Variant of Uncertain Significance. Advanced modeling of protein sequence and biophysical properties (such as structural, functional, and spatial information, amino acid conservation, physicochemical variation, residue mobility, and thermodynamic stability) has been performed at Invitae for this missense variant, however the output from this modeling did not meet the statistical confidence thresholds required to predict the impact of this variant on QARS protein function. This variant has not been reported in the literature in individuals affected with QARS-related conditions. This variant is not present in population databases (gnomAD no frequency). This sequence change replaces isoleucine, which is neutral and non-polar, with methionine, which is neutral and non-polar, at codon 76 of the QARS protein (p.Ile76Met).

NM_005051.3(QARS1):c.228A>G (p.Ile76Met)

Gene: QARS1 (glutaminyl-tRNA synthetase 1; minus strand). Cytogenetic location: 3p21.31.
Variant type: single nucleotide variant.
Coding change: c.228A>G on transcript NM_005051.3 (MANE Select); coding-DNA position 228, A replaced by G.
Protein change: p.Ile76Met; replaces isoleucine 76 with methionine.
Molecular consequence: missense variant.
Genome position (GRCh38, 1-based): chr3:49,104,361, T>C on the plus strand (A>G on the coding strand, the complement: QARS1 is on the minus strand). VCF-style: chr3-49104361-T-C. GRCh37 (hg19) VCF-style: chr3-49141794-T-C.
Other names: c.228A>G, p.Ile76Met (NM_001272073.2); short protein forms I76M.
Identifiers: ClinVar variation 2809196 (VCV002809196.3), dbSNP rs1370779774, ClinGen allele CA352722542.